The following is an entry in ClinVar:

ClinVar aggregate classification (germline): Likely pathogenic. Review status: reviewed by expert panel (3 of 4 stars). 3 submissions from 3 submitters: Likely pathogenic (1). 2 of the submissions do not count toward it. Last evaluated 2023-05-27.

Conditions:
Monogenic diabetes. Identifiers: Orphanet 183625, MedGen C3888631, MONDO:0015967.
Maturity-onset diabetes of the young (MODY). Also called: Maturity onset diabetes mellitus in young. Identifiers: Orphanet 552, MedGen C0342276, MONDO:0018911, HP:0004904.
Maturity-onset diabetes of the young type 1. Also called: MILD JUVENILE DIABETES MELLITUS; MODY, type I; MODY type 1; Diabetes mellitus MODY type 1; MODY HNF4A related; HNF4A-Related Maturity-Onset Diabetes of the Young Type 1. Identifiers: Orphanet 552, MedGen C1852093, MONDO:0007452, OMIM 125850. Disease mechanism: loss of function.

Submissions (3):

ClinGen Monogenic Diabetes Variant Curation Expert Panel
Classification: Likely pathogenic for Monogenic diabetes. Last evaluated: 2023-05-27. Review status: reviewed by expert panel. Criteria: ClinGen Diabetes ACMG Specifications HNF1A V2.1.0. Collection method: curation. Allele origin: germline. Inheritance: Autosomal dominant inheritance.
Comment: The c.660_662delGCTinsTCAA (p.(Leu221GInfsTer6)) variant in the hepatocyte nuclear factor 4-alpha gene, HNF4A, is predicted to lead to nonsense mediated decay in a gene in which loss-of-function is an established disease mechanism (PVS1, PMID: 23348805). This variant is absent from gnomAD v2.1.1 (PM2_Supporting). In summary, c.660_662delGCTinsTCAA (p.(Leu221GInfsTer6)) meets the criteria to be classified as likely pathogenic for monogenic diabetes. ACMG/AMP criteria applied, as specified by the ClinGen MDEP VCEP (specification version 1.0.0, approved 11/16/2022): PVS1, PM2_Supporting.

Women's Health and Genetics/Laboratory Corporation of America, LabCorp
Classification: Likely pathogenic for MODY1. Last evaluated: 2011-08-18. Review status: criteria provided, single submitter. Criteria: LabCorp Variant Classification Summary - May 2015. Collection method: curation, clinical testing. Allele origin: germline. Inheritance: autosomal unknown. Affected: yes. Not counted in ClinVar's aggregate classification.
ClinVar note: Converted during submission from likely pathogenic to Likely pathogenic.

Clinical Genomics, Uppaluri K&H Personalized Medicine Clinic
Classification: Uncertain risk allele for Maturity-onset diabetes of the young. Review status: criteria provided, single submitter. Criteria: K & H Uppaluri Personalized Medicine Clinic Variant Classification & Assertion Criteria_Updated V.1. Collection method: research. Allele origin: unknown. Inheritance: Autosomal dominant inheritance. Not counted in ClinVar's aggregate classification.
Comment: Potent mutations in HNF4A are associated with poor insulin secretion in response to hyperglycemia. Associated with MODY1. Patients initially respond well to sulfonylureas but eventually become insulin dependent. However, more evidence is required to ascertain the role of this particular variant rs193922476 in MODY, yet.

Literature cited by the submitters: PubMed 18268044 (cited by Clinical Genomics, Uppaluri K&H Personalized Medicine Clinic); PubMed 17563455 (cited by Clinical Genomics, Uppaluri K&H Personalized Medicine Clinic); PubMed 32583173 (cited by Clinical Genomics, Uppaluri K&H Personalized Medicine Clinic); PubMed 35052457 (cited by Clinical Genomics, Uppaluri K&H Personalized Medicine Clinic); PubMed 35118593 (cited by Clinical Genomics, Uppaluri K&H Personalized Medicine Clinic); DOI 10.1159/000334532 (cited by Clinical Genomics, Uppaluri K&H Personalized Medicine Clinic).

NM_175914.5(HNF4A):c.660_662delinsTCAA (p.Leu221fs)

Gene: HNF4A (hepatocyte nuclear factor 4 alpha; plus strand). Cytogenetic location: 20q13.12.
Variant type: Indel.
Coding change: c.660_662delinsTCAA on transcript NM_175914.5 (MANE Select); coding-DNA positions 660 to 662, GCT replaced by TCAA.
Protein change: p.Leu221fs; shifts the reading frame from leucine 221.
Molecular consequence: frameshift variant.
Genome position (GRCh38, 1-based): chr20:44,418,502-44,418,504, GCT replaced by TCAA. VCF-style: chr20-44418502-GCT-TCAA. GRCh37 (hg19) VCF-style: chr20-43047142-GCT-TCAA.
Other names: NM_175914.5(HNF4A):c.660_662delinsTCAA; p.Leu221fs; c.726_728delinsTCAA, p.Leu243fs (NM_000457.6, NM_178849.3, NM_178850.3); c.660_662delinsTCAA, p.Leu221fs (NM_001030003.3, NM_001030004.3); c.705_707delinsTCAA, p.Leu236fs (NM_001258355.2); c.651_653delinsTCAA, p.Leu218fs (NM_001287182.2, NM_001287183.2, NM_001287184.2); short protein forms L218fs, L221fs, L236fs, L243fs.
Identifiers: ClinVar variation 36356 (VCV000036356.5), dbSNP rs193922476, ClinGen allele CA213966.